The following is an entry in ClinVar:

NM_025082.4(CENPT):c.1519C>T (p.Arg507Cys)

Gene: CENPT (centromere protein T; minus strand). Cytogenetic location: 16q22.1.
Variant type: single nucleotide variant.
Coding change: c.1519C>T on transcript NM_025082.4 (MANE Select); coding-DNA position 1519, C replaced by T.
Protein change: p.Arg507Cys; replaces arginine 507 with cysteine.
Molecular consequence: missense variant.
Genome position (GRCh38, 1-based): chr16:67,828,517, G>A on the plus strand (C>T on the coding strand, the complement: CENPT is on the minus strand). VCF-style: chr16-67828517-G-A. GRCh37 (hg19) VCF-style: chr16-67862420-G-A.
Other names: short protein forms R507C.
Identifiers: ClinVar variation 3366379 (VCV003366379.1).

ClinVar aggregate classification (germline): Likely benign (1 of 4 stars; one submission).

Submission:

Women's Health and Genetics/Laboratory Corporation of America, LabCorp
Classification: Likely benign. Last evaluated: 2024-08-08. Review status: criteria provided, single submitter. Criteria: LabCorp Variant Classification Summary - May 2015. Collection method: clinical testing. Allele origin: germline.
Comment: Variant summary: CENPT c.1519C>T (p.Arg507Cys) results in a non-conservative amino acid change located in the CENP-T/Histone H4, histone fold domain (IPR035425) of the encoded protein sequence. Five of five in-silico tools predict a damaging effect of the variant on protein function. The variant allele was found at a frequency of 0.002 in 1614148 control chromosomes, predominantly at a frequency of 0.0026 within the Non-Finnish European subpopulation in the gnomAD database, including 5 homozygotes. The observed variant frequency within Non-Finnish European control individuals in the gnomAD database exceeds the estimated maximal expected allele frequency for a pathogenic variant in CENPT causing the Short Stature And Microcephaly With Genital Anomalies phenotype. To our knowledge, no occurrence of c.1519C>T in individuals affected with Short Stature And Microcephaly With Genital Anomalies and no experimental evidence demonstrating its impact on protein function have been reported. No submitters have cited clinical-significance assessments for this variant to ClinVar. Based on the evidence outlined above, the variant was classified as likely benign.